The following is an entry in ClinVar:

ClinVar aggregate classification (germline): Uncertain significance. Review status: criteria provided, multiple submitters, no conflicts (2 of 4 stars). 2 submissions from 2 submitters: Uncertain significance (2). Last evaluated 2022-12-27.

Conditions:
Inborn genetic diseases. Identifiers: MedGen C0950123, MeSH D030342.

Allele frequency attached by ClinVar (database versions not stated): TOPMed 0.00001; ExAC 0.00003.
gnomAD v4.1: 13 of 1,611,996 alleles (0.00081%); highest among the groups gnomAD compares: Middle Eastern, 0.15%; no homozygotes.

Submissions (2):

Ambry Genetics
Classification: Uncertain significance for Inborn genetic diseases. Last evaluated: 2022-12-27. Review status: criteria provided, single submitter. Criteria: Ambry Variant Classification Scheme 2023. Collection method: clinical testing. Allele origin: germline.

Labcorp Genetics (formerly Invitae), Labcorp
Classification: Uncertain significance. Last evaluated: 2022-08-23. Review status: criteria provided, single submitter. Criteria: Invitae Variant Classification Sherloc (09022015). Collection method: clinical testing. Allele origin: germline.
Comment: This sequence change replaces glycine, which is neutral and non-polar, with glutamic acid, which is acidic and polar, at codon 198 of the CERKL protein (p.Gly198Glu). This variant is present in population databases (rs762710416, gnomAD 0.002%). This variant has not been reported in the literature in individuals affected with CERKL-related conditions. Algorithms developed to predict the effect of missense changes on protein structure and function output the following: SIFT: "Tolerated"; PolyPhen-2: "Benign"; Align-GVGD: "Class C0". The glutamic acid amino acid residue is found in multiple mammalian species, which suggests that this missense change does not adversely affect protein function. In summary, the available evidence is currently insufficient to determine the role of this variant in disease. Therefore, it has been classified as a Variant of Uncertain Significance.

NM_201548.5(CERKL):c.593G>A (p.Gly198Glu)

Gene: CERKL (CERK like autophagy regulator; minus strand). Cytogenetic location: 2q31.3.
Variant type: single nucleotide variant.
Coding change: c.593G>A on transcript NM_201548.5 (MANE Select); coding-DNA position 593, G replaced by A.
Protein change: p.Gly198Glu; replaces glycine 198 with glutamic acid.
Molecular consequence: missense variant. On other transcripts: non-coding transcript variant (1), intron variant (2).
Genome position (GRCh38, 1-based): chr2:181,573,773, C>T on the plus strand (G>A on the coding strand, the complement: CERKL is on the minus strand). VCF-style: chr2-181573773-C-T. GRCh37 (hg19) VCF-style: chr2-182438500-C-T.
Other names: c.593G>A, p.Gly198Glu (NM_001030311.3, NM_001030313.3, NM_001030315.1); c.482-24065G>A (NM_001030312.3); c.482-7652G>A (NM_001160277.2); c.593G>A (NM_001030311.2); short protein forms G198E.
Identifiers: ClinVar variation 2150588 (VCV002150588.2), dbSNP rs762710416, ClinGen allele CA2010779.